The following is an entry in ClinVar:

ClinVar aggregate classification (germline): Uncertain significance (1 of 4 stars; one submission).

Allele frequency attached by ClinVar (database versions not stated): TOPMed below 0.00001.

Submission:

Labcorp Genetics (formerly Invitae), Labcorp
Classification: Uncertain significance. Last evaluated: 2024-10-22. Review status: criteria provided, single submitter. Criteria: Invitae Variant Classification Sherloc (09022015). Collection method: clinical testing. Allele origin: germline.
Comment: This sequence change replaces isoleucine, which is neutral and non-polar, with valine, which is neutral and non-polar, at codon 113 of the CAD protein (p.Ile113Val). This variant is not present in population databases (gnomAD no frequency). This variant has not been reported in the literature in individuals affected with CAD-related conditions. ClinVar contains an entry for this variant (Variation ID: 1347450). Invitae Evidence Modeling of protein sequence and biophysical properties (such as structural, functional, and spatial information, amino acid conservation, physicochemical variation, residue mobility, and thermodynamic stability) indicates that this missense variant is not expected to disrupt CAD protein function with a negative predictive value of 80%. In summary, the available evidence is currently insufficient to determine the role of this variant in disease. Therefore, it has been classified as a Variant of Uncertain Significance.

NM_004341.5(CAD):c.337A>G (p.Ile113Val)

Gene: CAD (carbamoyl-phosphate synthetase 2, aspartate transcarbamylase, and dihydroorotase; plus strand). Cytogenetic location: 2p23.3.
Variant type: single nucleotide variant.
Coding change: c.337A>G on transcript NM_004341.5 (MANE Select); coding-DNA position 337, A replaced by G.
Protein change: p.Ile113Val; replaces isoleucine 113 with valine.
Molecular consequence: missense variant.
Genome position (GRCh38, 1-based): chr2:27,221,332, A>G. VCF-style: chr2-27221332-A-G. GRCh37 (hg19) VCF-style: chr2-27444200-A-G.
Other names: c.337A>G, p.Ile113Val (NM_001306079.2); short protein forms I113V.
Identifiers: ClinVar variation 1347450 (VCV001347450.8), dbSNP rs1675154108, ClinGen allele CA346197757.